The following is an entry in ClinVar:

ClinVar aggregate classification (germline): Uncertain significance. Review status: criteria provided, multiple submitters, no conflicts (2 of 4 stars). 4 submissions from 4 submitters: Uncertain significance (4). Last evaluated 2025-12-26.

Conditions:
Hereditary breast ovarian cancer syndrome. Also called: Hereditary breast and ovarian cancer; Hereditary breast and ovarian cancer syndrome; Hereditary breast and ovarian cancer syndrome (HBOC); Breast and ovarian cancer; BRCA1- and BRCA2-Associated Hereditary Breast and Ovarian Cancer; Hereditary breast and/or ovarian cancer syndrome. Identifiers: Orphanet 145, MedGen C0677776, MeSH D061325, MONDO:0003582. Disease mechanism: loss of function.
Breast and/or ovarian cancer. Identifiers: MedGen CN221562.
Breast-ovarian cancer, familial, susceptibility to, 1 (BROVCA1). Also called: BRCA1 Hereditary Breast and Ovarian Cancer; OVARIAN CANCER, SUSCEPTIBILITY TO. Identifiers: Orphanet 145, MedGen C2676676, MONDO:0011450, OMIM 604370. Disease mechanism: loss of function.

Submissions (4):

Dasa
Classification: Uncertain significance. Last evaluated: 2025-12-26. Review status: criteria provided, single submitter. Criteria: DASA Assertion Criteria. Collection method: clinical testing. Allele origin: germline.
Comment: NM_007294.4(BRCA1):c.381T>G (p.Ser127Arg) is a missense variant that results in the substitution of serine with arginine. This variant is rare in population databases. The currently available literature and clinical evidence are not sufficient to establish a definitive association between this variant and the reported condition. Therefore, this variant is classified as a variant of uncertain significance.

Labcorp Genetics (formerly Invitae), Labcorp
Classification: Uncertain significance for Hereditary breast ovarian cancer syndrome. Last evaluated: 2024-04-13. Review status: criteria provided, single submitter. Criteria: Invitae Variant Classification Sherloc (09022015). Collection method: clinical testing. Allele origin: germline.
Comment: This sequence change replaces serine, which is neutral and polar, with arginine, which is basic and polar, at codon 127 of the BRCA1 protein (p.Ser127Arg). This variant is not present in population databases (gnomAD no frequency). This variant has not been reported in the literature in individuals affected with BRCA1-related conditions. ClinVar contains an entry for this variant (Variation ID: 626904). Advanced modeling of protein sequence and biophysical properties (such as structural, functional, and spatial information, amino acid conservation, physicochemical variation, residue mobility, and thermodynamic stability) performed at Invitae indicates that this missense variant is not expected to disrupt BRCA1 protein function with a negative predictive value of 95%. In summary, the available evidence is currently insufficient to determine the role of this variant in disease. Therefore, it has been classified as a Variant of Uncertain Significance.

Baylor Genetics
Classification: Uncertain significance for Breast-ovarian cancer, familial, susceptibility to, 1. Last evaluated: 2023-06-14. Review status: criteria provided, single submitter. Criteria: ACMG Guidelines, 2015. Collection method: clinical testing. Allele origin: unknown.

CHEO Genetics Diagnostic Laboratory, Children's Hospital of Eastern Ontario
Classification: Uncertain significance for Breast and/or ovarian cancer. Last evaluated: 2016-10-06. Review status: criteria provided, single submitter. Criteria: ACMG Guidelines, 2015. Collection method: clinical testing. Allele origin: germline. Study: Canadian Open Genetics Repository.

NM_007294.4(BRCA1):c.381T>G (p.Ser127Arg)

Gene: BRCA1 (BRCA1 DNA repair associated; minus strand). Cytogenetic location: 17q21.31.
Variant type: single nucleotide variant.
Coding change: c.381T>G on transcript NM_007294.4 (MANE Select); coding-DNA position 381, T replaced by G.
Protein change: p.Ser127Arg; replaces serine 127 with arginine.
Molecular consequence: missense variant. On other transcripts: 5 prime UTR variant (7), intron variant (2).
Genome position (GRCh38, 1-based): chr17:43,104,182, A>C on the plus strand (T>G on the coding strand, the complement: BRCA1 is on the minus strand). VCF-style: chr17-43104182-A-C. GRCh37 (hg19) VCF-style: chr17-41256199-A-C.
Other names: c.240T>G, p.Ser80Arg (NM_001407745.1, NM_001407746.1, NM_001407747.1 and 99 more transcripts); c.171T>G, p.Ser57Arg (NM_001407853.1, NM_001407879.1, NM_001407881.1 and 58 more transcripts); c.381T>G, p.Ser127Arg (NM_001407854.1, NM_001407858.1, NM_001407859.1 and 165 more transcripts); c.303T>G, p.Ser101Arg (NM_001407862.1, NM_001407874.1, NM_001407875.1 and 21 more transcripts); c.-1T>G (NM_001407959.1, NM_001407960.1, NM_001408510.1 and 4 more transcripts); c.372T>G, p.Ser124Arg (NM_001408408.1, NM_001407646.1, NM_001407647.1); c.249T>G, p.Ser83Arg (NM_001408451.1); c.-218-9322T>G (NM_001407967.1, NM_001407966.1); short protein forms S127R, S80R, S101R, S83R, S124R, S57R.
Identifiers: ClinVar variation 626904 (VCV000626904.16), dbSNP rs945168715, ClinGen allele CA10601380.